The following is an entry in ClinVar:

ClinVar aggregate classification (germline): Uncertain significance (1 of 4 stars; one submission).

Conditions:
COL6A2-related disorder.

Allele frequency attached by ClinVar (database versions not stated): TOPMed 0.00001.
gnomAD v4.1: 4 of 1,612,860 alleles (0.00025%); highest among the groups gnomAD compares: South Asian, 0.0011%; no homozygotes.

Submission:

PreventionGenetics, part of Exact Sciences
Classification: Uncertain significance for COL6A2-related condition. Last evaluated: 2022-08-26. Review status: criteria provided, single submitter. Criteria: ACMG Guidelines, 2015. Collection method: clinical testing. Allele origin: germline.
Comment: The COL6A2 c.371G>A variant is predicted to result in the amino acid substitution p.Gly124Asp. To our knowledge, this variant has not been reported in the literature. This variant is reported in 0.00089% of alleles in individuals of European (Non-Finnish) descent in gnomAD. At this time, the clinical significance of this variant is uncertain due to the absence of conclusive functional and genetic evidence.

NM_001849.4(COL6A2):c.371G>A (p.Gly124Asp)

Gene: COL6A2 (collagen type VI alpha 2 chain; plus strand). Cytogenetic location: 21q22.3.
Variant type: single nucleotide variant.
Coding change: c.371G>A on transcript NM_001849.4 (MANE Select); coding-DNA position 371, G replaced by A.
Protein change: p.Gly124Asp; replaces glycine 124 with aspartic acid.
Molecular consequence: missense variant.
Genome position (GRCh38, 1-based): chr21:46,112,234, G>A. VCF-style: chr21-46112234-G-A. GRCh37 (hg19) VCF-style: chr21-47532148-G-A.
Other names: c.371G>A, p.Gly124Asp (NM_058174.3, NM_058175.3); short protein forms G124D.
Identifiers: ClinVar variation 2634965 (VCV002634965.1), dbSNP rs754434218, ClinGen allele CA410521148.